The following is an entry in ClinVar:

NM_206933.4(USH2A):c.1170_1176del (p.Ser391fs)

Gene: USH2A (usherin; minus strand). Cytogenetic location: 1q41.
Variant type: Deletion.
Coding change: c.1170_1176del on transcript NM_206933.4 (MANE Select); coding-DNA positions 1170 to 1176, 7 bases deleted (TAGTCCA; older notation c.1170_1176delTAGTCCA).
Protein change: p.Ser391fs; shifts the reading frame from serine 391.
Molecular consequence: frameshift variant.
Genome position (GRCh38, 1-based): chr1:216,324,320-216,324,326, TGGACTA deleted on the plus strand (TAGTCCA on the coding strand, the reverse complement: USH2A is on the minus strand). VCF-style (leftmost placement, unchanged base first): chr1-216324319-GTGGACTA-G. GRCh37 (hg19) VCF-style: chr1-216497661-GTGGACTA-G.
Other names: c.1170_1176del, p.Ser391fs (NM_007123.6); short protein forms S391fs.
Identifiers: ClinVar variation 1726249 (VCV001726249.2), dbSNP rs2527436614, ClinGen allele CA2580062223.
Genomic context (GRCh38, chr1:216,324,319, plus strand): 5'-GCCAGTCCTCCCAATCTAAACTATTTTCCTTCTTCCTTTGAATCCTTATTTCCGTTGGTT[GTGGACTA>G]AAGAACTGAATGATAATATAAAACACCTGAAAATGGAAAGTTAATTAATGTAATTAAAGT-3'

ClinVar aggregate classification (germline): Likely pathogenic (1 of 4 stars; one submission).

Conditions:
Usher syndrome type 2A. Also called: RETINAL DISEASE IN USHER SYNDROME TYPE IIA, MODIFIER OF; USHER SYNDROME, TYPE IIA. Identifiers: Orphanet 231178, Orphanet 886, MedGen C1848634, MONDO:0010169, OMIM 276901.

Submission:

Myriad Genetics, Inc.
Classification: Likely pathogenic for Usher syndrome type 2A. Last evaluated: 2022-05-30. Review status: criteria provided, single submitter. Criteria: Myriad Women's Health Autosomal Recessive and X-Linked Classification Criteria (2021). Collection method: clinical testing. Allele origin: unknown.
Comment: NM_206933.2(USH2A):c.1170_1176del7(S391Nfs*5) is expected to be pathogenic in the context of USH2A-related disorders. This variant is predicted to lead to an abnormal or absent protein product due to the creation of a premature termination codon in USH2A, a gene where loss-of-function variants are known to be pathogenic. Please note: this variant was assessed in the context of healthy population screening.